The following is an entry in ClinVar:

ClinVar aggregate classification (germline): Conflicting classifications of pathogenicity. Review status: criteria provided, conflicting classifications (1 of 4 stars). 6 submissions from 6 submitters: Uncertain significance (3); Likely benign (2). 1 of the submissions does not count toward it. Last evaluated 2026-01-05.

Conditions:
B9D1-related disorder. Also called: B9D1-related disorders; B9D1-related condition.
Joubert syndrome 27 (JBTS27). Identifiers: MedGen C4310706, MONDO:0014927, OMIM 617120.
Meckel syndrome, type 9 (MKS9). Identifiers: Orphanet 564, MedGen C3280155, MONDO:0013630, OMIM 614209.
Joubert syndrome. Also called: JOUBERT-BOLTSHAUSER SYNDROME; Familial aplasia of the vermis. Identifiers: Orphanet 475, MedGen C5979921, MONDO:0018772.
Meckel-Gruber syndrome. Also called: GRUBER SYNDROME; DYSENCEPHALIA SPLANCHNOCYSTICA; Dysencephalia splachnocystica. Identifiers: Orphanet 564, MedGen C0265215, MONDO:0018921.

Allele frequency attached by ClinVar (database versions not stated): gnomAD exomes 0.00065 and 0.00086; ESP Exome Variant Server 0.00069; TOPMed 0.00070; gnomAD 0.00078 and 0.00104; ExAC 0.00087.
gnomAD v4.1: 1,092 of 1,614,006 alleles (0.068%); highest among the groups gnomAD compares: Non-Finnish European, 0.06%; 4 homozygotes.

Submissions (6):

Labcorp Genetics (formerly Invitae), Labcorp
Classification: Likely benign for Joubert syndrome; Meckel-Gruber syndrome. Last evaluated: 2026-01-05. Review status: criteria provided, single submitter. Criteria: Invitae Variant Classification Sherloc (09022015). Collection method: clinical testing. Allele origin: germline.

Blueprint Genetics
Classification: Likely benign. Last evaluated: 2024-10-23. Review status: criteria provided, single submitter. Criteria: ACMG Guidelines, 2015. Collection method: clinical testing. Allele origin: germline.

Department of Clinical Genetics, Copenhagen University Hospital, Rigshospitalet
Classification: Uncertain significance for Joubert syndrome 27. Last evaluated: 2021-08-01. Review status: criteria provided, single submitter. Criteria: ACMG Guidelines, 2015. Collection method: clinical testing. Allele origin: inherited. Affected: yes.

Baylor Genetics
Classification: Uncertain significance for Meckel syndrome, type 9. Last evaluated: 2018-05-27. Review status: criteria provided, single submitter. Criteria: ACMG Guidelines, 2015. Collection method: clinical testing. Allele origin: maternal. Affected: yes.
Comment: This variant was determined to be of uncertain significance according to ACMG Guidelines, 2015 [PMID:25741868].

Illumina Laboratory Services, Illumina
Classification: Uncertain significance for Meckel syndrome, type 9. Last evaluated: 2018-01-13. Review status: criteria provided, single submitter. Criteria: ICSL Variant Classification Criteria 13 December 2019. Collection method: clinical testing. Allele origin: germline.

PreventionGenetics, part of Exact Sciences
Classification: Likely benign for B9D1-related condition. Last evaluated: 2020-10-06. Review status: no assertion criteria provided. Collection method: clinical testing. Allele origin: germline. Not counted in ClinVar's aggregate classification.
Comment: This variant is classified as likely benign based on ACMG/AMP sequence variant interpretation guidelines (Richards et al. 2015 PMID: 25741868, with internal and published modifications).

NM_015681.6(B9D1):c.568A>T (p.Thr190Ser)

Gene: B9D1 (B9 domain containing 1; minus strand). Cytogenetic location: 17p11.2.
Variant type: single nucleotide variant.
Coding change: c.568A>T on transcript NM_015681.6 (MANE Select); coding-DNA position 568, A replaced by T.
Protein change: p.Thr190Ser; replaces threonine 190 with serine.
Molecular consequence: missense variant. On other transcripts: 3 prime UTR variant (2), intron variant (4).
Genome position (GRCh38, 1-based): chr17:19,343,366, T>A on the plus strand (A>T on the coding strand, the complement: B9D1 is on the minus strand). VCF-style: chr17-19343366-T-A. GRCh37 (hg19) VCF-style: chr17-19246679-T-A.
Other names: c.*93A>T (NM_001321214.2); c.*344A>T (NM_001321215.3); c.112+424A>T (NM_001368769.2); c.404+3903A>T (NM_001321219.2); c.472+424A>T (NM_001321218.2, NM_001321217.2); short protein forms T190S.
Identifiers: ClinVar variation 889437 (VCV000889437.18), dbSNP rs147684440, ClinGen allele CA8440071.